The following is an entry in ClinVar:

NM_182588.3(RGPD4):c.2883G>A (p.Val961=)

Gene: RGPD4 (RANBP2 like and GRIP domain containing 4; plus strand). Cytogenetic location: 2q12.3.
Variant type: single nucleotide variant.
Coding change: c.2883G>A on transcript NM_182588.3 (MANE Select); coding-DNA position 2883, G replaced by A.
Protein change: p.Val961=; no amino-acid change (valine 961 retained).
Molecular consequence: synonymous variant.
Genome position (GRCh38, 1-based): chr2:107,870,887, G>A. VCF-style: chr2-107870887-G-A. GRCh37 (hg19) VCF-style: chr2-108487343-G-A.
Identifiers: ClinVar variation 2651237 (VCV002651237.24), dbSNP rs1438483110, ClinGen allele CA428197264.
Genomic context (GRCh38, chr2:107,870,887, plus strand): 5'-TGAAAATGATACTGGCTTCCAGGCTCAGGATATTAGTGGCCAGAAGAATGGCCGTGGTGT[G>A]ATTTTTGGCCAAACAAGTAGCACTTTTACATTTGCAGATGTTGCAAAATCAACTTCAGGA-3'
Protein context (NP_872394.2, residues 951-971): DISGQKNGRG[Val961=]IFGQTSSTFT

ClinVar aggregate classification (germline): Likely benign (1 of 4 stars; one submission).

Allele frequency attached by ClinVar (database versions not stated): 1000 Genomes Project 30x 0.00016; gnomAD 0.00021.

Submission:

CeGaT Center for Human Genetics Tuebingen
Classification: Likely benign. Last evaluated: 2025-02-01. Review status: criteria provided, single submitter. Criteria: CeGaT Center For Human Genetics Tuebingen Variant Classification Criteria Version 2. Collection method: clinical testing. Allele origin: germline. Affected: yes. Observed: 2 variant alleles.
Comment: RGPD4: BP4, BP7